The following is an entry in ClinVar:

NM_014244.5(ADAMTS2):c.78_79insTATAAGAGACAGTCTC (p.Leu27fs)

Gene: ADAMTS2 (ADAM metallopeptidase with thrombospondin type 1 motif 2; minus strand). Cytogenetic location: 5q35.3.
Variant type: Insertion.
Coding change: c.78_79insTATAAGAGACAGTCTC on transcript NM_014244.5 (MANE Select); coding-DNA positions 78 to 79, TATAAGAGACAGTCTC inserted.
Protein change: p.Leu27fs; shifts the reading frame from leucine 27.
Molecular consequence: frameshift variant.
Genome position: GRCh38 VCF-style: chr5-179345250-G-GGAGACTGTCTCTTATA. GRCh37 (hg19) VCF-style: chr5-178772251-G-GGAGACTGTCTCTTATA.
Other names: c.78_79insTATAAGAGACAGTCTC, p.Leu27fs (NM_021599.4); short protein forms L27fs.
Identifiers: ClinVar variation 5011211 (VCV005011211.1).
Genomic context (GRCh38, chr5:179,345,250, plus strand): 5'-CTGGGGGGTCGGCGGCGGCGGCGAGCCTGGCGTTCGCGGGCGGCGGCGGCGGCGGCAGGA[G>GGAGACTGTCTCTTATA]CGGCGGCGGCAGCAGCAGCAGCAGCAGCAGCAGCGCGGGGCAGAGCAGGCGGCGAGCGGC-3'

ClinVar aggregate classification (germline): Pathogenic (1 of 4 stars; one submission).

Conditions:
Ehlers-Danlos syndrome, dermatosparaxis type. Also called: EDS VIIC; Dermatosparaxis; Ehlers-Danlos syndrome, type VII, autosomal recessive. Identifiers: Orphanet 1901, MedGen C2700425, MONDO:0009161, OMIM 225410.

Submission:

Myriad Genetics, Inc.
Classification: Pathogenic for Ehlers-Danlos syndrome, dermatosparaxis type. Last evaluated: 2024-05-14. Review status: criteria provided, single submitter. Criteria: Myriad Autosomal Dominant, Autosomal Recessive and X-Linked Classification Criteria (2023). Collection method: clinical testing. Allele origin: unknown.
Comment: NM_014244.4(ADAMTS2):c.78_79ins16(L27Yfs*44) is expected to be pathogenic in the context of Ehlers-Danlos syndrome, ADAMTS2-related. This variant is predicted to lead to an abnormal or absent protein product due to the creation of a premature termination codon in ADAMTS2, a gene where loss-of-function variants are known to be pathogenic. Please note: this variant was assessed in the context of healthy population screening.